The following is an entry in ClinVar:

ClinVar aggregate classification (germline): Uncertain significance. Review status: criteria provided, multiple submitters, no conflicts (2 of 4 stars). 2 submissions from 2 submitters: Uncertain significance (2). Last evaluated 2023-04-21.

Submissions (2):

Blueprint Genetics
Classification: Uncertain significance. Last evaluated: 2023-04-21. Review status: criteria provided, single submitter. Criteria: ACMG Guidelines, 2015. Collection method: clinical testing. Allele origin: germline.

Labcorp Genetics (formerly Invitae), Labcorp
Classification: Uncertain significance. Last evaluated: 2022-10-25. Review status: criteria provided, single submitter. Criteria: Invitae Variant Classification Sherloc (09022015). Collection method: clinical testing. Allele origin: germline.
Comment: This variant is not present in population databases (gnomAD no frequency). This sequence change creates a premature translational stop signal (p.Ser507*) in the ZNF513 gene. While this is not anticipated to result in nonsense mediated decay, it is expected to disrupt the last 35 amino acid(s) of the ZNF513 protein. This variant has not been reported in the literature in individuals affected with ZNF513-related conditions. In summary, the available evidence is currently insufficient to determine the role of this variant in disease. Therefore, it has been classified as a Variant of Uncertain Significance.

NM_144631.6(ZNF513):c.1520_1521del (p.Ala506_Ser507insTer)

Gene: ZNF513 (zinc finger protein 513; minus strand). Cytogenetic location: 2p23.3.
Variant type: Microsatellite.
Coding change: c.1520_1521del on transcript NM_144631.6 (MANE Select); coding-DNA positions 1520 to 1521, 2 bases deleted (CT; older notation c.1520_1521delCT).
Protein change: p.Ala506_Ser507insTer.
Molecular consequence: nonsense.
Genome position (GRCh38, 1-based): chr2:27,377,650-27,377,651, AG deleted on the plus strand (CT on the coding strand, the reverse complement: ZNF513 is on the minus strand); deleting any 2 consecutive bases within chr2:27,377,650-27,377,653 gives the same sequence; the c. name uses the placement nearest the transcript's 3' end. VCF-style (leftmost placement, unchanged base first): chr2-27377649-CAG-C. GRCh37 (hg19) VCF-style: chr2-27600516-CAG-C.
Other names: c.1334_1335del, p.Ala444_Ser445insTer (NM_001201459.2).
Identifiers: ClinVar variation 1055333 (VCV001055333.9), dbSNP rs2148411537, ClinGen allele CA2576977534.